The following is an entry in ClinVar:

ClinVar aggregate classification (germline): Uncertain significance (0 of 4 stars; one submission).

Conditions:
P4HA1-related disorder. Also called: P4HA1-related condition.

Allele frequency attached by ClinVar (database versions not stated): TOPMed below 0.00001.
gnomAD v4.1: 1 of 1,614,016 alleles (0.000062%); no homozygotes.

Submission:

PreventionGenetics, part of Exact Sciences
Classification: Uncertain significance for P4HA1-related condition. Last evaluated: 2024-02-12. Review status: no assertion criteria provided. Collection method: clinical testing. Allele origin: germline.
Comment: The P4HA1 c.668A>G variant is predicted to result in the amino acid substitution p.Lys223Arg. To our knowledge, this variant has not been reported in the literature or in a large population database, indicating this variant is rare. At this time, the clinical significance of this variant is uncertain due to the absence of conclusive functional and genetic evidence.

NM_001017962.3(P4HA1):c.668A>G (p.Lys223Arg)

Gene: P4HA1 (prolyl 4-hydroxylase subunit alpha 1; minus strand). Cytogenetic location: 10q22.1.
Variant type: single nucleotide variant.
Coding change: c.668A>G on transcript NM_001017962.3 (MANE Select); coding-DNA position 668, A replaced by G.
Protein change: p.Lys223Arg; replaces lysine 223 with arginine.
Molecular consequence: missense variant.
Genome position (GRCh38, 1-based): chr10:73,053,386, T>C on the plus strand (A>G on the coding strand, the complement: P4HA1 is on the minus strand). VCF-style: chr10-73053386-T-C. GRCh37 (hg19) VCF-style: chr10-74813144-T-C.
Other names: c.668A>G, p.Lys223Arg (NM_000917.4, NM_001142595.2, NM_001142596.2); short protein forms K223R.
Identifiers: ClinVar variation 3029900 (VCV003029900.2), dbSNP rs1234383326, ClinGen allele CA377173437.